The following is an entry in ClinVar:

NM_022336.4(EDAR):c.73C>T (p.Arg25Ter)

Genes: EDAR (ectodysplasin A receptor; minus strand), RANBP2 (RAN binding protein 2; plus strand). Cytogenetic location: 2q13.
Variant type: single nucleotide variant.
Coding change: c.73C>T on transcript NM_022336.4 (MANE Select); coding-DNA position 73, C replaced by T.
Protein change: p.Arg25Ter; replaces arginine 25 with a stop codon.
Molecular consequence: nonsense.
Genome position (GRCh38, 1-based): chr2:108,930,221, G>A on the plus strand (C>T on the coding strand, the complement: EDAR is on the minus strand). VCF-style: chr2-108930221-G-A. GRCh37 (hg19) VCF-style: chr2-109546677-G-A.
Other names: short protein forms R25*.
Identifiers: ClinVar variation 2203127 (VCV002203127.5), dbSNP rs773132518, ClinGen allele CA1825220.

ClinVar aggregate classification (germline): Pathogenic/Likely pathogenic. Review status: criteria provided, multiple submitters, no conflicts (2 of 4 stars). 2 submissions from 2 submitters: Pathogenic (1); Likely pathogenic (1). Last evaluated 2026-01-22.

Conditions:
Ectodermal dysplasia 10A, hypohidrotic/hair/nail type, autosomal dominant (ECTD10A). Also called: Ectodermal Dysplasia 3, Anhidrotic. Identifiers: Orphanet 1810, Orphanet 238468, MedGen C3888065, MONDO:0007509, OMIM 129490.
Autosomal recessive hypohidrotic ectodermal dysplasia syndrome. Also called: Autosomal recessive hypohidrotic ectodermal dysplasia. Identifiers: Orphanet 248, MedGen C0406702, MONDO:0016619.

Allele frequency attached by ClinVar (database versions not stated): TOPMed 0.00001; ExAC 0.00001; gnomAD 0.00001.
gnomAD v4.1: 9 of 1,613,948 alleles (0.00056%); highest among the groups gnomAD compares: Admixed American, 0.0033%; no homozygotes.

Submissions (2):

Institute of Immunology and Genetics Kaiserslautern
Classification: Likely pathogenic for Ectodermal dysplasia 10A, hypohidrotic/hair/nail type, autosomal dominant. Last evaluated: 2026-01-22. Review status: criteria provided, single submitter. Criteria: ACMG Guidelines, 2015. Collection method: clinical testing. Allele origin: germline. Affected: yes.
Comment: ACMG Criteria: PVS1, PM2; Variant was found in heterozygous state.

Labcorp Genetics (formerly Invitae), Labcorp
Classification: Pathogenic for Ectodermal dysplasia 10A, hypohidrotic/hair/nail type, autosomal dominant; Autosomal recessive hypohidrotic ectodermal dysplasia syndrome. Last evaluated: 2022-09-15. Review status: criteria provided, single submitter. Criteria: Invitae Variant Classification Sherloc (09022015). Collection method: clinical testing. Allele origin: germline.
Comment: This sequence change creates a premature translational stop signal (p.Arg25*) in the EDAR gene. It is expected to result in an absent or disrupted protein product. Loss-of-function variants in EDAR are known to be pathogenic (PMID: 10431241, 10431242, 20979233, 28981473). This variant is present in population databases (rs773132518, gnomAD 0.006%). This premature translational stop signal has been observed in individual(s) with autosomal dominant tooth agenesis and autosomal recessive ectodermal dysplasia (PMID: 28981473, 32274043). For these reasons, this variant has been classified as Pathogenic.

Literature cited by the submitters: PubMed 10431241 (cited by Labcorp Genetics (formerly Invitae), Labcorp); PubMed 10431242 (cited by Labcorp Genetics (formerly Invitae), Labcorp); PubMed 20979233 (cited by Labcorp Genetics (formerly Invitae), Labcorp); PubMed 28981473 (cited by Labcorp Genetics (formerly Invitae), Labcorp); PubMed 32274043 (cited by Labcorp Genetics (formerly Invitae), Labcorp).